The following continues an entry in ClinVar:

NM_000059.4(BRCA2):c.7480C>T (p.Arg2494Ter)

Gene: BRCA2. ClinVar aggregate classification (germline): Pathogenic. Pathogenic (1).

Submissions 21 to 39 of 39:

Laboratory for Molecular Medicine, Mass General Brigham Personalized Medicine
Classification: Pathogenic for Hereditary breast ovarian cancer syndrome. Last evaluated: 2019-10-14. Review status: criteria provided, single submitter. Criteria: ACMG Guidelines, 2015. Collection method: clinical testing. Allele origin: germline. Not counted in ClinVar's aggregate classification.
Comment: The p.Arg2494X variant in BRCA2 has been reported in >20 individuals with BRCA2-related cancers and has been reported as a Finnish founder variant (Vehmanen 1997, Park 2016, Eoh 2017, Park 2017, Sun 2017, Weren 2017, Labidi-Galy 2018, Lee 2018, BIC database). It has also been identified in 4/21648 Finnish chromosomes by gnomAD; however, this frequency is low enough to be consistent with the frequency of hereditary breast and ovarian cancer (HBOC) in the general population. This variant leads to a premature termination codon at position 2494, which is predicted to lead to a truncated or absent protein. Loss of function of the BRCA2 gene is an established disease mechanism in autosomal dominant HBOC. Additionally, ths variant was classified as Pathogenic on Apr 22, 2016 by the ClinGen-approved ENIGMA expert panel (Variation ID: 38099). In summary, this variant meets criteria to be classified as pathogenic for autosomal dominant HBOC. ACMG/AMP Criteria applied: PVS1, PS4.

Biesecker Lab/Clinical Genomics Section, National Institutes of Health
Classification: Pathogenic for Breast-ovarian cancer, familial, susceptibility to, 2. Last evaluated: 2017-12-11. Review status: criteria provided, single submitter. Criteria: ACMG Guidelines, 2015. Collection method: curation. Allele origin: germline. Study: CSER_ClinSeq. Not counted in ClinVar's aggregate classification.

Molecular Genetics Laboratory, University of Michigan
Classification: Pathogenic for Breast-ovarian cancer, familial, susceptibility to, 2. Last evaluated: 2016-04-21. Review status: criteria provided, single submitter. Criteria: ACMG Guidelines, 2015. Collection method: clinical testing. Allele origin: germline. Affected: yes. Not counted in ClinVar's aggregate classification.

Department of Medical Genetics, Oslo University Hospital
Classification: Pathogenic for Breast-ovarian cancer, familial, susceptibility to, 2. Last evaluated: 2016-03-03. Review status: criteria provided, single submitter. Criteria: ACMG Guidelines, 2015. Collection method: clinical testing. Allele origin: germline. Affected: yes. Observed: 3 variant alleles. Not counted in ClinVar's aggregate classification.

Consortium of Investigators of Modifiers of BRCA1/2 (CIMBA), c/o University of Cambridge
Classification: Pathogenic for Breast-ovarian cancer, familial, susceptibility to, 2. Last evaluated: 2015-10-02. Review status: criteria provided, single submitter. Criteria: CIMBA Mutation Classification guidelines May 2016. Collection method: clinical testing. Allele origin: germline. Not counted in ClinVar's aggregate classification.

Clinical Genetics and Genomics, Karolinska University Hospital
Classification: Pathogenic. Last evaluated: 2015-06-10. Review status: criteria provided, single submitter. Criteria: ACMG Guidelines, 2015. Collection method: clinical testing. Allele origin: germline. Affected: yes. Observed: 2 variant alleles. Not counted in ClinVar's aggregate classification.

Eurofins Ntd Llc (ga)
Classification: Pathogenic. Last evaluated: 2015-03-12. Review status: criteria provided, single submitter. Criteria: EGL Classification Definitions 2015. Collection method: clinical testing. Allele origin: germline. Observed: 1 variant allele, 1 heterozygote. Not counted in ClinVar's aggregate classification.

UNC Molecular Genetics  Laboratory, University of North Carolina at Chapel Hill
Classification: Pathogenic for Hereditary breast and ovarian cancer syndrome. Review status: criteria provided, single submitter. Criteria: ACMG Guidelines, 2015. Collection method: research. Allele origin: germline. Affected: no. Observed: 1 variant allele. Study: NSIGHT-NC NEXUS. Not counted in ClinVar's aggregate classification.
Comment: The BRCA2 c.7480C>T (also known as c.7708C>T) (p.R2494*) nonsense variant has been reported in the heterozygous state in multiple studies of individuals with hereditary breast and/or ovarian cancer (PMID: 15548363; 15117986; 17100994; 16455195; 19656164; 19499246; 22798144; 28724667).

Laboratory for Genotyping Development, RIKEN
Classification: Pathogenic for Gastric cancer. Last evaluated: 2021-07-01. Review status: no assertion criteria provided. Collection method: research. Allele origin: germline. Not counted in ClinVar's aggregate classification.

CZECANCA consortium
Classification: Pathogenic for Carcinoma of pancreas. Last evaluated: 2021-03-04. Review status: no assertion criteria provided. Collection method: case-control. Allele origin: germline. Affected: yes. Observed: 1 variant allele. Not counted in ClinVar's aggregate classification.

BRCAlab, Lund University
Classification: Pathogenic for Breast-ovarian cancer, familial, susceptibility to, 2. Last evaluated: 2020-03-02. Review status: no assertion criteria provided. Collection method: clinical testing. Allele origin: germline. Affected: yes. Not counted in ClinVar's aggregate classification.

Counsyl
Classification: Pathogenic for Breast-ovarian cancer, familial, susceptibility to, 2. Last evaluated: 2015-07-28. Review status: no assertion criteria provided. Collection method: clinical testing. Allele origin: unknown. Not counted in ClinVar's aggregate classification.

Research Molecular Genetics Laboratory, Women's College Hospital, University of Toronto
Classification: Pathogenic for Hereditary breast ovarian cancer syndrome. Last evaluated: 2014-01-31. Review status: no assertion criteria provided. Collection method: research. Allele origin: germline. Affected: yes. Study: The Canadian Open Genetics Repository (COGR). Not counted in ClinVar's aggregate classification.

Sharing Clinical Reports Project (SCRP)
Classification: Pathogenic for Breast-ovarian cancer, familial 2. Last evaluated: 2012-09-07. Review status: no assertion criteria provided. Collection method: clinical testing. Allele origin: germline. Not counted in ClinVar's aggregate classification.

Breast Cancer Information Core (BIC) (BRCA2)
Classification: Pathogenic for Breast-ovarian cancer, familial 2. Last evaluated: 2004-02-20. Review status: no assertion criteria provided. Collection method: clinical testing. Allele origin: germline. Affected: yes. Observed: 11 variant alleles. Not counted in ClinVar's aggregate classification.

Department of Pathology and Laboratory Medicine, Sinai Health System
Classification: Pathogenic for Breast-ovarian cancer, familial, susceptibility to, 2. Review status: no assertion criteria provided. Collection method: clinical testing. Allele origin: unknown. Affected: yes. Study: The Canadian Open Genetics Repository (COGR). Not counted in ClinVar's aggregate classification.
Comment: The BRCA2 p.Arg2494X variant was identified in 47 of 6296 proband chromosomes (frequency: 0.007) from Korean and Finnish individuals or families with breast and ovarian cancer and was not identified in 2628 control chromosomes from healthy individuals (Park 2017, Kang 2015, Janavicius 2010). The variant was also identified in the following databases: dbSNP (ID: rs80358972) as "With Likely benign, Pathogenic allele", ClinVar (15x, pathogenic), Clinvitae (6x, pathogenic), LOVD 3.0 (15x, pathogenic), UMD-LSDB (23x, causal, co-occurrence with BRCA2 c.2808_2811delACAA, p.Ala938Profsx21), BIC Database (11x, pathogenic), and ARUP Laboratories (definitely pathogenic). The variant was not identified in Cosmic, MutDB, or the Zhejiang Colon Cancer Database. The variant was identified in control databases in 8 of 246212 chromosomes at a frequency of 0.00003 (Genome Aggregation Database Feb 27, 2017). Breakdown of the observations by population include East Asian in 3 of 17248 chromosomes (freq: 0.0002), Finnish in 4 of 22300 chromosomes (freq: 0.0002), and South Asian in 1 of 30782 chromosomes (freq: 0.00003). The variant was not observed in the African, Other, Latino, European, or Ashkenazi Jewish populations. In a study looking at mRNA transcripts and in silico splicing prediction programs, the mutation was found to have no effect on splicing (Menendez 2012). The c.7480C>T variant leads to a premature stop codon at position 2494 which is predicted to lead to a truncated or absent protein and loss of function. Loss of function variants of the BRCA2 gene are an established mechanism of disease in hereditary breast and ovarian cancer and is the type of variant expected to cause the disorder. In summary, based on the above information this variant meets our laboratoryâ€šÃ„Ã´s criteria to be classified as pathogenic.

Diagnostic Laboratory, Department of Genetics, University Medical Center Groningen
Classification: Pathogenic. Review status: no assertion criteria provided. Collection method: clinical testing. Allele origin: germline. Affected: yes. Study: VKGL Data-share Consensus. Not counted in ClinVar's aggregate classification.

Dr. Peter K. Rogan Lab, Western University
No classification provided (evidence only). Condition: Sarcoma. Review status: no classification provided. Collection method: in vitro. Allele origin: not applicable. Functional consequence: retained intron. Not counted in ClinVar's aggregate classification.

Joint Genome Diagnostic Labs from Nijmegen and Maastricht, Radboudumc and MUMC+
Classification: Pathogenic. Review status: no assertion criteria provided. Collection method: clinical testing. Allele origin: germline. Affected: yes. Study: VKGL Data-share Consensus. Not counted in ClinVar's aggregate classification.

Literature cited by the submitters: PubMed 20104584 (cited by Labcorp Genetics (formerly Invitae), Labcorp); PubMed 9361038 (cited by 8 submitters); PubMed 16455195 (cited by 4 submitters); PubMed 19656164 (cited by 5 submitters); PubMed 22798144 (cited by 5 submitters); PubMed 23199084 (cited by 4 submitters); PubMed 24312913 (cited by 3 submitters); PubMed 11251181 (cited by Ambry Genetics and Quest Diagnostics Nichols Institute San Juan Capistrano); PubMed 12204006 (cited by Ambry Genetics and Quest Diagnostics Nichols Institute San Juan Capistrano); PubMed 22382806 (cited by Ambry Genetics); PubMed 22682623 (cited by Ambry Genetics); PubMed 26709275 (cited by 4 submitters); PubMed 27767231 (cited by 4 submitters); PubMed 28423363 (cited by 4 submitters); PubMed 28724667 (cited by 6 submitters); PubMed 28782087 (cited by 6 submitters); PubMed 29020732 (cited by 6 submitters); PubMed 27153395 (cited by All of Us Research Program, National Institutes of Health and Color Diagnostics, LLC DBA Color Health); PubMed 29084914 (cited by 4 submitters); PubMed 21735045 (cited by Quest Diagnostics Nichols Institute San Juan Capistrano and Counsyl); PubMed 29339979 (cited by Quest Diagnostics Nichols Institute San Juan Capistrano and Sema4); PubMed 25525159 (cited by Quest Diagnostics Nichols Institute San Juan Capistrano); PubMed 28111427 (cited by Quest Diagnostics Nichols Institute San Juan Capistrano and Laboratory for Molecular Medicine, Mass General Brigham Personalized Medicine); PubMed 28802053 (cited by Quest Diagnostics Nichols Institute San Juan Capistrano and Sema4); PubMed 29176636 (cited by Quest Diagnostics Nichols Institute San Juan Capistrano); PubMed 29446198 (cited by 3 submitters); PubMed 29625052 (cited by Quest Diagnostics Nichols Institute San Juan Capistrano); PubMed 30262796 (cited by Quest Diagnostics Nichols Institute San Juan Capistrano and Sema4); PubMed 30287823 (cited by Quest Diagnostics Nichols Institute San Juan Capistrano); PubMed 30309222 (cited by Quest Diagnostics Nichols Institute San Juan Capistrano and Sema4); PubMed 30322717 (cited by Quest Diagnostics Nichols Institute San Juan Capistrano); PubMed 30350268 (cited by Quest Diagnostics Nichols Institute San Juan Capistrano and Sema4); PubMed 30702160 (cited by Quest Diagnostics Nichols Institute San Juan Capistrano); PubMed 30720243 (cited by Quest Diagnostics Nichols Institute San Juan Capistrano); PubMed 30736435 (cited by Quest Diagnostics Nichols Institute San Juan Capistrano and Sema4); PubMed 32489267 (cited by Quest Diagnostics Nichols Institute San Juan Capistrano); PubMed 32719484 (cited by Quest Diagnostics Nichols Institute San Juan Capistrano); PubMed 32853339 (cited by Quest Diagnostics Nichols Institute San Juan Capistrano); PubMed 22217648 (cited by Quest Diagnostics Nichols Institute San Juan Capistrano); PubMed 17100994 (cited by 3 submitters); PubMed 26295337 (cited by Quest Diagnostics Nichols Institute San Juan Capistrano); PubMed 33471991 (cited by Sema4); PubMed 11039575 (cited by Women's Health and Genetics/Laboratory Corporation of America, LabCorp); PubMed 21497495 (cited by Broad Center for Mendelian Genomics, Broad Institute of MIT and Harvard and Counsyl); PubMed 15548363 (cited by UNC Molecular Genetics  Laboratory, University of North Carolina at Chapel Hill and Counsyl); PubMed 15117986 (cited by UNC Molecular Genetics  Laboratory, University of North Carolina at Chapel Hill and Counsyl); PubMed 19499246 (cited by UNC Molecular Genetics  Laboratory, University of North Carolina at Chapel Hill); PubMed 36988593 (cited by Laboratory for Genotyping Development, RIKEN); PubMed 25802882 (cited by Counsyl); PubMed 19491284 (cited by Counsyl).